The following is an entry in ClinVar:

ClinVar aggregate classification (germline): Benign. Review status: criteria provided, multiple submitters, no conflicts (2 of 4 stars). 2 submissions from 2 submitters: Benign (2). Last evaluated 2018-01-12.

Conditions:
Primary hyperoxaluria type 3. Also called: PH III. Identifiers: Orphanet 416, Orphanet 93600, MedGen C3150878, MONDO:0013327, OMIM 613616. Disease mechanism: loss of function.

Allele frequency attached by ClinVar (database versions not stated): 1000 Genomes Project 30x 0.34478; 1000 Genomes Project 0.34525; TOPMed 0.36828.

Submissions (2):

Illumina Laboratory Services, Illumina
Classification: Benign for Primary hyperoxaluria type 3. Last evaluated: 2018-01-12. Review status: criteria provided, single submitter. Criteria: ICSL Variant Classification Criteria 13 December 2019. Collection method: clinical testing. Allele origin: germline.
Comment: This variant was observed in the ICSL laboratory as part of a predisposition screen in an ostensibly healthy population. It had not been previously curated by ICSL or reported in the Human Gene Mutation Database (HGMD: prior to June 1st, 2018), and was therefore a candidate for classification through an automated scoring system. Utilizing variant allele frequency, disease prevalence and penetrance estimates, and inheritance mode, an automated score was calculated to assess if this variant is too frequent to cause the disease. Based on the score and internal cut-off values, a variant classified as benign is not then subjected to further curation. The score for this variant resulted in a classification of benign for this disease.

Breakthrough Genomics
Classification: Benign. Review status: criteria provided, single submitter. Criteria: ACMG Guidelines, 2015. Collection method: not provided. Allele origin: germline. Inheritance: Autosomal recessive inheritance. Affected: yes.

NM_138413.4(HOGA1):c.*637G>A

Gene: HOGA1 (4-hydroxy-2-oxoglutarate aldolase 1; plus strand). Cytogenetic location: 10q24.2.
Variant type: single nucleotide variant.
Coding change: c.*637G>A on transcript NM_138413.4 (MANE Select); 637 bases downstream of the stop codon, G replaced by A.
Molecular consequence: 3 prime UTR variant.
Genome position (GRCh38, 1-based): chr10:97,612,296, G>A. VCF-style: chr10-97612296-G-A. GRCh37 (hg19) VCF-style: chr10-99372053-G-A.
Other names: c.*637G>A (NM_001134670.2).
Identifiers: ClinVar variation 301820 (VCV000301820.6), dbSNP rs1977640, ClinGen allele CA10632990.